The following is an entry in ClinVar:

ClinVar aggregate classification (germline): Uncertain significance (1 of 4 stars; one submission).

Conditions:
Cardiovascular phenotype. Identifiers: MedGen CN230736.
Hereditary cancer-predisposing syndrome. Also called: Neoplastic Syndromes, Hereditary; Tumor predisposition; Hereditary Cancer Syndrome; Hereditary neoplastic syndrome. Identifiers: Orphanet 140162, MedGen C0027672, MeSH D009386, MONDO:0015356.

Submission:

Ambry Genetics
Classification: Uncertain significance for Cardiovascular phenotype; Hereditary cancer-predisposing syndrome. Last evaluated: 2022-08-30. Review status: criteria provided, single submitter. Criteria: Ambry Variant Classification Scheme 2023. Collection method: clinical testing. Allele origin: germline.
Comment: The p.T530I variant (also known as c.1589C>T), located in coding exon 14 of the LZTR1 gene, results from a C to T substitution at nucleotide position 1589. The threonine at codon 530 is replaced by isoleucine, an amino acid with similar properties. This amino acid position is conserved. In addition, this alteration is predicted to be deleterious by in silico analysis. Since supporting evidence is limited at this time, the clinical significance of this alteration remains unclear.

NM_006767.4(LZTR1):c.1589C>T (p.Thr530Ile)

Gene: LZTR1 (leucine zipper like post translational regulator 1; plus strand). Cytogenetic location: 22q11.21.
Variant type: single nucleotide variant.
Coding change: c.1589C>T on transcript NM_006767.4 (MANE Select); coding-DNA position 1589, C replaced by T.
Protein change: p.Thr530Ile; replaces threonine 530 with isoleucine.
Molecular consequence: missense variant.
Genome position (GRCh38, 1-based): chr22:20,994,243, C>T. VCF-style: chr22-20994243-C-T. GRCh37 (hg19) VCF-style: chr22-21348532-C-T.
Other names: short protein forms T530I.
Identifiers: ClinVar variation 1775862 (VCV001775862.2), dbSNP rs2518621095, ClinGen allele CA410776165.